The following is an entry in ClinVar:

ClinVar aggregate classification (germline): Pathogenic (1 of 4 stars; one submission).

Conditions:
Inborn genetic diseases. Identifiers: MedGen C0950123, MeSH D030342.

Submission:

Ambry Genetics
Classification: Pathogenic for Inborn genetic diseases. Last evaluated: 2025-10-15. Review status: criteria provided, single submitter. Criteria: Ambry Variant Classification Scheme 2023. Collection method: clinical testing. Allele origin: germline.
Comment: The c.756_759dupTGTA (p.A254Cfs*15) alteration, located in exon 7 (coding exon 6) of the CLCN5 gene, consists of a duplication of TGTA at position 756, causing a translational frameshift with a predicted alternate stop codon after 15 amino acids. This alteration is expected to result in loss of function by premature protein truncation or nonsense-mediated mRNA decay. This variant was not reported in population-based cohorts in the Genome Aggregation Database (gnomAD). Based on the available evidence, this alteration is classified as pathogenic.

NM_001127898.4(CLCN5):c.966_969dup (p.Ala324fs)

Gene: CLCN5 (chloride voltage-gated channel 5; plus strand). Cytogenetic location: Xp11.23.
Variant type: Duplication.
Coding change: c.966_969dup on transcript NM_001127898.4 (MANE Select); coding-DNA positions 966 to 969, 4 bases duplicated (TGTA; older notation c.966_969dupTGTA).
Protein change: p.Ala324fs; shifts the reading frame from alanine 324.
Molecular consequence: frameshift variant. On other transcripts: non-coding transcript variant (1).
Genome position (GRCh38, 1-based): chrX:50,086,012-50,086,015, TGTA duplicated. VCF-style (leftmost placement, unchanged base first): chrX-50086011-C-CTGTA. GRCh37 (hg19) VCF-style: chrX-49850668-C-CTGTA.
Other names: c.756_759dup, p.Ala254fs (NM_000084.5); c.966_969dup, p.Ala324fs (NM_001127899.4); c.816_819dup, p.Ala274fs (NM_001282163.2); c.978_981dup, p.Ala328fs (NM_001440756.1, NM_001440757.1); short protein forms A254fs, A274fs, A328fs, A324fs.
Identifiers: ClinVar variation 4615905 (VCV004615905.1).